The following is an entry in ClinVar:

NM_001035.3(RYR2):c.7488C>T (p.Leu2496=)

Gene: RYR2 (ryanodine receptor 2; plus strand). Cytogenetic location: 1q43.
Variant type: single nucleotide variant.
Coding change: c.7488C>T on transcript NM_001035.3 (MANE Select); coding-DNA position 7488, C replaced by T.
Protein change: p.Leu2496=; no amino-acid change (leucine 2496 retained).
Molecular consequence: synonymous variant.
Genome position (GRCh38, 1-based): chr1:237,648,589, C>T. VCF-style: chr1-237648589-C-T. GRCh37 (hg19) VCF-style: chr1-237811889-C-T.
Other names: p.Leu2496=.
Identifiers: ClinVar variation 36749 (VCV000036749.78), dbSNP rs143906555, ClinGen allele CA010712.

ClinVar aggregate classification (germline): Benign/Likely benign. Review status: criteria provided, multiple submitters, no conflicts (2 of 4 stars). 20 submissions from 19 submitters: Benign (10); Likely benign (4). 6 of the submissions do not count toward it. Last evaluated 2026-07-01.

Conditions:
Cardiac arrhythmia. Also called: Cardiac rhythm disease; Arrhythmia. Identifiers: MedGen C0003811, MONDO:0007263, HP:0011675.
Cardiomyopathy (CMYO). Also called: Cardiomyopathies. Identifiers: Orphanet 167848, MedGen C0878544, MONDO:0004994, HP:0001638. Inheritance: Various modes of inheritance.
Catecholaminergic polymorphic ventricular tachycardia 1. Also called: RYR2-Related Catecholaminergic Polymorphic Ventricular Tachycardia; VENTRICULAR TACHYCARDIA, STRESS-INDUCED POLYMORPHIC 1; VENTRICULAR TACHYCARDIA, CATECHOLAMINERGIC POLYMORPHIC, 1, WITH OR WITHOUT ATRIAL DYSFUNCTION AND/OR DILATED CARDIOMYOPATHY. Identifiers: Orphanet 3286, MedGen C1631597, MONDO:0011484, OMIM 604772.
Arrhythmogenic right ventricular dysplasia 2. Identifiers: MedGen C1832931.
Catecholaminergic polymorphic ventricular tachycardia (CVPT). Also called: Catecholamine-induced polymorphic ventricular tachycardia. Identifiers: Orphanet 3286, MedGen C5574922, MONDO:0017990.

Allele frequency attached by ClinVar (database versions not stated): TOPMed 0.00249; gnomAD exomes 0.00377 and 0.00460; gnomAD 0.00397 and 0.00382; ExAC 0.00492; 1000 Genomes Project 0.00140; 1000 Genomes Project 30x 0.00141; ESP Exome Variant Server 0.00399.
gnomAD v4.1: 7,180 of 1,610,118 alleles (0.45%); highest among the groups gnomAD compares: Non-Finnish European, 0.49%; 24 homozygotes.

Submissions (20):

CeGaT Center for Human Genetics Tuebingen
Classification: Benign. Last evaluated: 2026-07-01. Review status: criteria provided, single submitter. Criteria: CeGaT Center For Human Genetics Tuebingen Variant Classification Criteria Version 2. Collection method: clinical testing. Allele origin: germline. Affected: yes. Observed: 19 variant alleles.
Comment: RYR2: BP4, BP7, BS1, BS2

Labcorp Genetics (formerly Invitae), Labcorp
Classification: Benign for Catecholaminergic polymorphic ventricular tachycardia 1. Last evaluated: 2026-02-03. Review status: criteria provided, single submitter. Criteria: Invitae Variant Classification Sherloc (09022015). Collection method: clinical testing. Allele origin: germline.

Molecular Diagnostic Laboratory for Inherited Cardiovascular Disease, Montreal Heart Institute
Classification: Likely benign. Last evaluated: 2025-04-09. Review status: criteria provided, single submitter. Criteria: ACMG Guidelines, 2015. Collection method: clinical testing. Allele origin: germline. Affected: no.

ARUP Laboratories, Molecular Genetics and Genomics, ARUP Laboratories
Classification: Benign. Last evaluated: 2025-02-25. Review status: criteria provided, single submitter. Criteria: ARUP Molecular Germline Variant Investigation Process 2024. Collection method: clinical testing. Allele origin: germline.

Blueprint Genetics
Classification: Likely benign. Last evaluated: 2024-11-21. Review status: criteria provided, single submitter. Criteria: ACMG Guidelines, 2015. Collection method: clinical testing. Allele origin: germline.

All of Us Research Program, National Institutes of Health
Classification: Benign for Catecholaminergic polymorphic ventricular tachycardia. Last evaluated: 2024-02-05. Review status: criteria provided, single submitter. Criteria: ACMG Guidelines, 2015. Collection method: clinical testing. Allele origin: germline. Inheritance: Autosomal dominant inheritance. Observed: 761 variant alleles, 759 heterozygotes, 2 homozygotes.
Comment: This study involves interpretation of variants in research participants for the purpose of population health screening. Participant phenotype was not available at the time of variant classification. Additional details can be found in publication PMID: 35346344, PMCID: PMC8962531

Color Diagnostics, LLC DBA Color Health
Classification: Benign for Cardiomyopathy. Last evaluated: 2018-03-08. Review status: criteria provided, single submitter. Criteria: ACMG Guidelines, 2015. Collection method: clinical testing. Allele origin: germline.

Illumina Laboratory Services, Illumina
Classification: Benign for Catecholaminergic polymorphic ventricular tachycardia 1. Last evaluated: 2018-01-12. Review status: criteria provided, single submitter. Criteria: ICSL Variant Classification Criteria 13 December 2019. Collection method: clinical testing. Allele origin: germline.
Comment: This variant was observed in the ICSL laboratory as part of a predisposition screen in an ostensibly healthy population. It had not been previously curated by ICSL or reported in the Human Gene Mutation Database (HGMD: prior to June 1st, 2018), and was therefore a candidate for classification through an automated scoring system. Utilizing variant allele frequency, disease prevalence and penetrance estimates, and inheritance mode, an automated score was calculated to assess if this variant is too frequent to cause the disease. Based on the score and internal cut-off values, a variant classified as benign is not then subjected to further curation. The score for this variant resulted in a classification of benign for this disease.

Illumina Laboratory Services, Illumina
Classification: Likely benign for Catecholaminergic polymorphic ventricular tachycardia 1. Last evaluated: 2018-01-12. Review status: criteria provided, single submitter. Criteria: ICSL Variant Classification Criteria 13 December 2019. Collection method: clinical testing. Allele origin: germline.
Comment: This variant was observed in the ICSL laboratory as part of a predisposition screen in an ostensibly healthy population. It had not been previously curated by ICSL or reported in the Human Gene Mutation Database (HGMD: prior to June 1st, 2018), and was therefore a candidate for classification through an automated scoring system. Utilizing variant allele frequency, disease prevalence and penetrance estimates, and inheritance mode, an automated score was calculated to assess if this variant is too frequent to cause the disease. Based on the score and internal cut-off values, a variant classified as likely benign is not then subjected to further curation. The score for this variant resulted in a classification of likely benign for this disease.

Mayo Clinic Laboratories, Mayo Clinic
Classification: Benign. Last evaluated: 2016-09-21. Review status: criteria provided, single submitter. Criteria: ACMG Guidelines, 2015. Collection method: clinical testing. Allele origin: germline. Observed: 5 variant alleles.

CHEO Genetics Diagnostic Laboratory, Children's Hospital of Eastern Ontario
Classification: Likely benign for Cardiomyopathy. Last evaluated: 2016-09-02. Review status: criteria provided, single submitter. Criteria: ACMG Guidelines, 2015. Collection method: clinical testing. Allele origin: germline. Study: Canadian Open Genetics Repository.

GeneDx
Classification: Benign. Last evaluated: 2015-03-03. Review status: criteria provided, single submitter. Criteria: GeneDx Variant Classification Process June 2021. Collection method: clinical testing. Allele origin: germline. Affected: yes.

Eurofins Ntd Llc (ga)
Classification: Benign. Last evaluated: 2013-11-27. Review status: criteria provided, single submitter. Criteria: EGL Classification Definitions 2015. Collection method: clinical testing. Allele origin: germline. Observed: 1 variant allele, 1 heterozygote.

Laboratory for Molecular Medicine, Mass General Brigham Personalized Medicine
Classification: Benign. Last evaluated: 2012-05-24. Review status: criteria provided, single submitter. Criteria: LMM Criteria. Collection method: clinical testing. Allele origin: germline. Observed: 19 variant alleles.
Comment: Leu2496Leu in Exon 49 of RYR2: This variant is not expected to have clinical sig nificance because it does not alter an amino acid residue, is not located within the splice consensus sequence and has been identified in 0.6% (39/6624) of Euro pean American chromosomes from a broad population by the NHLBI Exome Sequencing Project (dbSNP rs143906555).

Women's Health and Genetics/Laboratory Corporation of America, LabCorp
Classification: Benign for Arrhythmia. Last evaluated: 2014-10-07. Review status: no assertion criteria provided. Collection method: clinical testing. Allele origin: germline. Not counted in ClinVar's aggregate classification.

Clinical Genetics DNA and cytogenetics Diagnostics Lab, Erasmus MC, Erasmus Medical Center
Classification: Benign. Review status: no assertion criteria provided. Collection method: clinical testing. Allele origin: germline. Affected: yes. Study: VKGL Data-share Consensus. Not counted in ClinVar's aggregate classification.

Clinical Genetics, Academic Medical Center
Classification: Benign. Review status: no assertion criteria provided. Collection method: clinical testing. Allele origin: germline. Affected: yes. Study: VKGL Data-share Consensus. Not counted in ClinVar's aggregate classification.

Diagnostic Laboratory, Department of Genetics, University Medical Center Groningen
Classification: Likely benign. Review status: no assertion criteria provided. Collection method: clinical testing. Allele origin: germline. Affected: yes. Study: VKGL Data-share Consensus. Not counted in ClinVar's aggregate classification.

Genome Diagnostics Laboratory, University Medical Center Utrecht
Classification: Benign. Review status: no assertion criteria provided. Collection method: clinical testing. Allele origin: germline. Affected: yes. Study: VKGL Data-share Consensus. Not counted in ClinVar's aggregate classification.

Joint Genome Diagnostic Labs from Nijmegen and Maastricht, Radboudumc and MUMC+
Classification: Benign. Review status: no assertion criteria provided. Collection method: clinical testing. Allele origin: germline. Affected: yes. Study: VKGL Data-share Consensus. Not counted in ClinVar's aggregate classification.